The following is an entry in ClinVar:

NM_015450.3(POT1):c.1442A>G (p.Glu481Gly)

Gene: POT1 (protection of telomeres 1; minus strand). Cytogenetic location: 7q31.33.
Variant type: single nucleotide variant.
Coding change: c.1442A>G on transcript NM_015450.3 (MANE Select); coding-DNA position 1442, A replaced by G.
Protein change: p.Glu481Gly; replaces glutamic acid 481 with glycine.
Molecular consequence: missense variant. On other transcripts: non-coding transcript variant (3).
Genome position (GRCh38, 1-based): chr7:124,835,342, T>C on the plus strand (A>G on the coding strand, the complement: POT1 is on the minus strand). VCF-style: chr7-124835342-T-C. GRCh37 (hg19) VCF-style: chr7-124475396-T-C.
Other names: c.1049A>G, p.Glu350Gly (NM_001042594.2); short protein forms E481G, E350G.
Identifiers: ClinVar variation 574289 (VCV000574289.25), dbSNP rs548024862, ClinGen allele CA4465118.

ClinVar aggregate classification (germline): Uncertain significance. Review status: criteria provided, multiple submitters, no conflicts (2 of 4 stars). 6 submissions from 6 submitters: Uncertain significance (5). 1 of the submissions does not count toward it. Last evaluated 2026-01-20.

Conditions:
Tumor predisposition syndrome 3 (TPDS3). Also called: Melanoma, cutaneous malignant, susceptibility to, 10; LONG TELOMERE SYNDROME, POT1-RELATED; POT1 Tumor Predisposition; Glioma susceptibility 9. Identifiers: Orphanet 618, MedGen C4014476, MONDO:0014368, OMIM 615848.
Hereditary cancer-predisposing syndrome. Also called: Tumor predisposition; Neoplastic Syndromes, Hereditary; Hereditary neoplastic syndrome; Hereditary Cancer Syndrome. Identifiers: Orphanet 140162, MedGen C0027672, MeSH D009386, MONDO:0015356.

Allele frequency attached by ClinVar (database versions not stated): gnomAD exomes 0.00004 and 0.00008; ExAC 0.00002; gnomAD 0.00003 and 0.00004; TOPMed 0.00003.
gnomAD v4.1: 126 of 1,614,016 alleles (0.0078%); highest among the groups gnomAD compares: Non-Finnish European, 0.0097%; no homozygotes.

Submissions (6):

Labcorp Genetics (formerly Invitae), Labcorp
Classification: Uncertain significance for Tumor predisposition syndrome 3. Last evaluated: 2026-01-20. Review status: criteria provided, single submitter. Criteria: Invitae Variant Classification Sherloc (09022015). Collection method: clinical testing. Allele origin: germline.
Comment: This sequence change replaces glutamic acid, which is acidic and polar, with glycine, which is neutral and non-polar, at codon 481 of the POT1 protein (p.Glu481Gly). This variant is present in population databases (rs548024862, gnomAD 0.01%). This missense change has been observed in individual(s) with thyroid cancer (PMID: 38688277). ClinVar contains an entry for this variant (Variation ID: 574289). Invitae Evidence Modeling of protein sequence and biophysical properties (such as structural, functional, and spatial information, amino acid conservation, physicochemical variation, residue mobility, and thermodynamic stability) indicates that this missense variant is not expected to disrupt POT1 protein function with a negative predictive value of 80%. In summary, the available evidence is currently insufficient to determine the role of this variant in disease. Therefore, it has been classified as a Variant of Uncertain Significance.

Ambry Genetics
Classification: Uncertain significance for Hereditary cancer-predisposing syndrome. Last evaluated: 2025-07-13. Review status: criteria provided, single submitter. Criteria: Ambry Variant Classification Scheme 2023. Collection method: clinical testing. Allele origin: germline.

Quest Diagnostics Nichols Institute San Juan Capistrano
Classification: Uncertain significance. Last evaluated: 2024-03-22. Review status: criteria provided, single submitter. Criteria: Quest Diagnostics criteria. Collection method: clinical testing. Allele origin: unknown.
Comment: The POT1 c.1442A>G (p.Glu481Gly) variant has been observed in a reportedly healthy individual in a melanoma case-control study (PMID: 36539277 (2022)). The frequency of this variant in the general population, 0.00014 (5/35440 chromosomes in Admixed American subpopulation (Genome Aggregation Database)), is higher than would generally be expected for pathogenic variants in this gene. Analysis of this variant using bioinformatics tools for the prediction of the effect of amino acid changes on protein structure and function yielded predictions that this variant is benign. Based on the available information, we are unable to determine the clinical significance of this variant.

GeneDx
Classification: Uncertain significance. Last evaluated: 2023-09-05. Review status: criteria provided, single submitter. Criteria: GeneDx Variant Classification Process June 2021. Collection method: clinical testing. Allele origin: germline. Affected: yes.
Comment: Not observed at significant frequency in large population cohorts (gnomAD); In silico analysis supports that this missense variant does not alter protein structure/function; Observed in a control individual and not in any melanoma cases (Simonin-Wilmer et al., 2022); This variant is associated with the following publications: (PMID: 28393830, 36539277)

Department of Pathology and Laboratory Medicine, Sinai Health System
Classification: Uncertain significance for Tumor predisposition syndrome 3. Last evaluated: 2023-02-15. Review status: criteria provided, single submitter. Criteria: ACMG Guidelines, 2015. Collection method: clinical testing. Allele origin: germline. Affected: yes.

Genetic Services Laboratory, University of Chicago
Classification: Uncertain significance. Last evaluated: 2022-07-18. Review status: no assertion criteria provided. Collection method: clinical testing. Allele origin: germline. Affected: no. Not counted in ClinVar's aggregate classification.
Comment: DNA sequence analysis of the POT1 gene demonstrated a sequence change, c.1442A>G, in exon 15 that results in an amino acid change, p.Glu481Gly. This sequence change does not appear to have been previously described in individuals with POT1-related disorders and has been described in the gnomAD database with a frequency of 0.0039%in the overall population (dbSNP rs548024862). The p.Glu481Gly change affects a moderately conserved amino acid residue located in a domain of the POT1 protein that is not known to be functional. The p.Glu481Gly substitution appears to be benign using several in-silico pathogenicity prediction tools (SIFT, PolyPhen2, Align GVGD, REVEL). Due to insufficient evidences and the lack of functional studies, the clinical significance of the p.Glu481Gly change remains unknown at this time.

Literature cited by the submitters: PubMed 38688277 (cited by Labcorp Genetics (formerly Invitae), Labcorp); PubMed 36539277 (cited by Quest Diagnostics Nichols Institute San Juan Capistrano).